The following is an entry in ClinVar:

NC_000003.11:g.(?_50154507)_(50295122_?)dup

Genes: SEMA3F (semaphorin 3F; plus strand), SEMA3F-AS1 (SEMA3F antisense RNA 1; minus strand), GNAI2 (G protein subunit alpha i2; plus strand), GNAT1 (G protein subunit alpha transducin 1; plus strand), RBM5 (RNA binding motif protein 5; plus strand) and 1 more. Cytogenetic location: 3p21.31.
Variant type: Duplication.
Identifiers: ClinVar variation 1056363 (VCV001056363.6).

ClinVar aggregate classification (germline): Uncertain significance (1 of 4 stars; one submission).

Submission:

Labcorp Genetics (formerly Invitae), Labcorp
Classification: Uncertain significance. Last evaluated: 2022-08-31. Review status: criteria provided, single submitter. Criteria: Invitae Variant Classification Sherloc (09022015). Collection method: clinical testing. Allele origin: germline.
Comment: In summary, the available evidence is currently insufficient to determine the role of this variant in disease. Therefore, it has been classified as a Variant of Uncertain Significance. This variant has not been reported in the literature in individuals affected with GNAT1-related conditions. A copy number gain of the genomic region encompassing the full coding sequence of the GNAT1 gene has been identified. The boundaries of this event are unknown as they extend beyond the assayed region for this gene and therefore may encompass additional genes. As the precise location of this event is unknown, it may be in tandem or it may be located elsewhere in the genome.